The following is an entry in ClinVar:

Single allele

Variant type: Deletion.
Identifiers: ClinVar variation 157344 (VCV000157344.2).

ClinVar aggregate classification (germline): not provided (0 of 4 stars; one submission).

Conditions:
Small for gestational age. Also called: Low birth weight. Identifiers: MedGen C0235991, HP:0001518.

Submission:

Institute of Molecular and Cell Biology, University of Tartu
No classification provided. Condition: Small for gestational age. Review status: no classification provided. Collection method: case-control. Allele origin: unknown. Affected: yes. Study: Kasak2014.
Comment: The study aimed to determine the contribution of copy number variants in the genetic etiology of normal and complicated pregnancies. The samples represented (i) maternal blood DNA drawn from healthy pregnant women during 1st or 2nd trimester and (ii) maternal and paternal blood DNA drawn at term pregnancy cases representing normal and complicated gestations (severe preeclampsia, PE; gestational diabetes, GD; small-for-gestational age newborn, SGA; large-for-gestational age newborn, LGA). We performed CNV calling based on genome-wide genotyping dataset (Illumina HumanOmniExpress-24-v1 BeadChip) by applying three algorithms, QuantiSNP, GADA (Genome Alteration Detection Algorithm) and CNstream in parallel. The acquired CNV calls were merged with HD-CNV (Hotspot Detector for Copy Number Variants) program and only the CNVs predicted by at least two programs, were considered in subsequent analysis.

Literature cited by the submitters: PubMed 25666259.